The following is an entry in ClinVar:

ClinVar aggregate classification (germline): Benign/Likely benign. Review status: criteria provided, multiple submitters, no conflicts (2 of 4 stars). 4 submissions from 4 submitters: Benign (2); Likely benign (1). 1 of the submissions does not count toward it. Last evaluated 2026-04-01.

Conditions:
NFAT5-related disorder. Also called: NFAT5-related condition.
Immunodeficiency. Identifiers: MedGen C0021051, MONDO:0021094, HP:0002721.

Allele frequency attached by ClinVar (database versions not stated): 1000 Genomes Project 30x 0.00156; 1000 Genomes Project 0.00160; ESP Exome Variant Server 0.00308; TOPMed 0.00322; ExAC 0.00346; gnomAD exomes 0.00354 and 0.00527; gnomAD 0.00358 and 0.00369.
gnomAD v4.1: 8,165 of 1,614,176 alleles (0.51%); highest among the groups gnomAD compares: Non-Finnish European, 0.63%; 30 homozygotes.

Submissions (4):

CeGaT Center for Human Genetics Tuebingen
Classification: Benign. Last evaluated: 2026-04-01. Review status: criteria provided, single submitter. Criteria: CeGaT Center For Human Genetics Tuebingen Variant Classification Criteria Version 2. Collection method: clinical testing. Allele origin: germline. Affected: yes. Observed: 6 variant alleles.
Comment: NFAT5: BP4, BS1, BS2

Labcorp Genetics (formerly Invitae), Labcorp
Classification: Benign for Immunodeficiency. Last evaluated: 2026-02-02. Review status: criteria provided, single submitter. Criteria: Invitae Variant Classification Sherloc (09022015). Collection method: clinical testing. Allele origin: germline.

Blueprint Genetics
Classification: Likely benign. Last evaluated: 2024-11-19. Review status: criteria provided, single submitter. Criteria: ACMG Guidelines, 2015. Collection method: clinical testing. Allele origin: germline.

PreventionGenetics, part of Exact Sciences
Classification: Likely benign for NFAT5-related condition. Last evaluated: 2020-02-24. Review status: no assertion criteria provided. Collection method: clinical testing. Allele origin: germline. Not counted in ClinVar's aggregate classification.
Comment: This variant is classified as likely benign based on ACMG/AMP sequence variant interpretation guidelines (Richards et al. 2015 PMID: 25741868, with internal and published modifications).

NM_138713.4(NFAT5):c.3752A>G (p.Gln1251Arg)

Gene: NFAT5 (nuclear factor of activated T cells 5; plus strand). Cytogenetic location: 16q22.1.
Variant type: single nucleotide variant.
Coding change: c.3752A>G on transcript NM_138713.4 (MANE Select); coding-DNA position 3752, A replaced by G.
Protein change: p.Gln1251Arg; replaces glutamine 1251 with arginine.
Molecular consequence: missense variant.
Genome position (GRCh38, 1-based): chr16:69,693,577, A>G. VCF-style: chr16-69693577-A-G. GRCh37 (hg19) VCF-style: chr16-69727480-A-G.
Other names: c.3752A>G, p.Gln1251Arg (LRG_1332t1); c.3749A>G, p.Gln1250Arg (NM_001113178.3); c.3077A>G, p.Gln1026Arg (NM_001367709.1); c.3698A>G, p.Gln1233Arg (NM_006599.4); c.3470A>G, p.Gln1157Arg (NM_138714.4, NM_173214.3, NM_173215.3); short protein forms Q1157R, Q1251R, Q1026R, Q1233R, Q1250R.
Identifiers: ClinVar variation 456659 (VCV000456659.37), dbSNP rs145602190, ClinGen allele CA8135946.